The following is an entry in ClinVar:

NM_032444.4(SLX4):c.73G>A (p.Gly25Arg)

Gene: SLX4 (SLX4 structure-specific endonuclease subunit; minus strand). Cytogenetic location: 16p13.3.
Variant type: single nucleotide variant.
Coding change: c.73G>A on transcript NM_032444.4 (MANE Select); coding-DNA position 73, G replaced by A.
Protein change: p.Gly25Arg; replaces glycine 25 with arginine.
Molecular consequence: missense variant.
Genome position (GRCh38, 1-based): chr16:3,608,892, C>T on the plus strand (G>A on the coding strand, the complement: SLX4 is on the minus strand). VCF-style: chr16-3608892-C-T. GRCh37 (hg19) VCF-style: chr16-3658893-C-T.
Other names: c.73G>A (LRG_503t1); short protein forms G25R.
Identifiers: ClinVar variation 414706 (VCV000414706.16), dbSNP rs201533738, ClinGen allele CA7866959.
Genomic context (GRCh38, chr16:3,608,892, plus strand): 5'-CCATCATCTGACCAGTTTTAAGGCTTTCAGGCTGGTCTTCAGAGGAGCGAGGGTCAATCC[C>T]AGGACAGGCAGACAGATGAGAAAGTGAACCCAAGTAGAAGCCTAGCTGAGCCTCATTCAC-3'
Protein context (NP_115820.2, residues 15-35): GSLSHLSACP[Gly25Arg]IDPRSSEDQP

ClinVar aggregate classification (germline): Conflicting classifications of pathogenicity. Review status: criteria provided, conflicting classifications (1 of 4 stars). 4 submissions from 4 submitters: Uncertain significance (3); Likely benign (1). Last evaluated 2025-09-10.

Conditions:
Fanconi anemia complementation group P. Also called: SLX4-Related Fanconi Anemia. Identifiers: Orphanet 84, MedGen C3469542, MONDO:0013499, OMIM 613951.
Fanconi anemia (FA). Also called: Fanconi's anemia. Identifiers: Orphanet 84, MedGen C0015625, MeSH D005199, MONDO:0019391.

Allele frequency attached by ClinVar (database versions not stated): gnomAD exomes 0.00007 and 0.00022; gnomAD 0.00010 and 0.00014; TOPMed 0.00014; ExAC 0.00021; 1000 Genomes Project 30x 0.00031; 1000 Genomes Project 0.00040.
gnomAD v4.1: 131 of 1,614,128 alleles (0.0081%); highest among the groups gnomAD compares: East Asian, 0.22%; no homozygotes.

Submissions (4):

Labcorp Genetics (formerly Invitae), Labcorp
Classification: Likely benign for Fanconi anemia. Last evaluated: 2025-09-10. Review status: criteria provided, single submitter. Criteria: Invitae Variant Classification Sherloc (09022015). Collection method: clinical testing. Allele origin: germline.

Daryl Scott Lab, Baylor College of Medicine
Classification: Uncertain significance for Fanconi anemia complementation group P. Last evaluated: 2024-04-01. Review status: criteria provided, single submitter. Criteria: ACMG Guidelines, 2015. Collection method: clinical testing. Allele origin: paternal. Observed: 1 compound heterozygote.
Comment: BP4

Sema4
Classification: Uncertain significance for Fanconi anemia. Last evaluated: 2021-06-25. Review status: criteria provided, single submitter. Criteria: Sema4 Curation Guidelines. Collection method: curation. Allele origin: germline.
Comment: To the best of our knowledge, the SLX4 c.73G>A (p.G25R) has not been reported in individuals with SLX4-related disease. It was observed in 54/19954 chromosomes of the East Asian subpopulation in the large and broad cohorts of the Genome Aggregation Database. The variant has been reported in ClinVar (Variation ID: 414706). In silico tools suggest the impact of the variant on protein function is benign, though these predictions have not been confirmed by functional studies. The evidence is insufficient to meet ACMG/AMP criteria for classifying the variant as benign or pathogenic. Thus, the clinical significance of this variant is currently uncertain.

Genetic Services Laboratory, University of Chicago
Classification: Uncertain significance. Last evaluated: 2019-04-25. Review status: criteria provided, single submitter. Criteria: ACMG Guidelines, 2015. Collection method: clinical testing. Allele origin: germline. Affected: no.